The following is an entry in ClinVar:

ClinVar aggregate classification (germline): Likely pathogenic (1 of 4 stars; one submission).

Allele frequency attached by ClinVar (database versions not stated): TOPMed 0.00001; gnomAD 0.00001.
gnomAD v4.1: 1 of 1,613,742 alleles (0.000062%); highest among the groups gnomAD compares: Admixed American, 0.0017%; no homozygotes.

Submission:

GeneDx
Classification: Likely pathogenic. Last evaluated: 2026-07-06. Review status: criteria provided, single submitter. Criteria: GeneDx Variant Classification Process June 2021. Collection method: clinical testing. Allele origin: germline.
Comment: Not observed at significant frequency in large population cohorts (gnomAD); In silico analysis supports that this missense variant has a deleterious effect on protein structure/function; This variant is associated with the following publications: (PMID: 37352919, 22634753, 27459240, 41717321)

NM_182977.3(NNT):c.578G>A (p.Ser193Asn)

Gene: NNT (nicotinamide nucleotide transhydrogenase; plus strand). Cytogenetic location: 5p12.
Variant type: single nucleotide variant.
Coding change: c.578G>A on transcript NM_182977.3 (MANE Select); coding-DNA position 578, G replaced by A.
Protein change: p.Ser193Asn; replaces serine 193 with asparagine.
Molecular consequence: missense variant.
Genome position (GRCh38, 1-based): chr5:43,616,044, G>A. VCF-style: chr5-43616044-G-A. GRCh37 (hg19) VCF-style: chr5-43616146-G-A.
Other names: c.185G>A, p.Ser62Asn (NM_001331026.2); c.578G>A, p.Ser193Asn (NM_012343.4); short protein forms S193N, S62N.
Identifiers: ClinVar variation 3253086 (VCV003253086.2), dbSNP rs867004061.